The following is an entry in ClinVar:

NM_025257.3(SLC44A4):c.700G>T (p.Val234Phe)

Gene: SLC44A4 (solute carrier family 44 member 4; minus strand). Cytogenetic location: 6p21.33.
Variant type: single nucleotide variant.
Coding change: c.700G>T on transcript NM_025257.3 (MANE Select); coding-DNA position 700, G replaced by T.
Protein change: p.Val234Phe; replaces valine 234 with phenylalanine.
Molecular consequence: missense variant.
Genome position (GRCh38, 1-based): chr6:31,871,315, C>A on the plus strand (G>T on the coding strand, the complement: SLC44A4 is on the minus strand). VCF-style: chr6-31871315-C-A. GRCh37 (hg19) VCF-style: chr6-31839092-C-A.
Other names: c.574G>T, p.Val192Phe (NM_001178044.2); c.472G>T, p.Val158Phe (NM_001178045.2); c.700G>T, p.Val234Phe (NM_032794.1); short protein forms V158F, V192F, V234F.
Identifiers: ClinVar variation 2581300 (VCV002581300.2), dbSNP rs936977075, ClinGen allele CA136886565.

ClinVar aggregate classification (germline): Uncertain significance. Review status: criteria provided, multiple submitters, no conflicts (2 of 4 stars). 2 submissions from 2 submitters: Uncertain significance (2). Last evaluated 2025-09-28.

Allele frequency attached by ClinVar (database versions not stated): TOPMed below 0.00001.
gnomAD v4.1: 11 of 1,613,836 alleles (0.00068%); highest among the groups gnomAD compares: African/African-American, 0.013%; no homozygotes.

Submissions (2):

Ambry Genetics
Classification: Uncertain significance. Last evaluated: 2025-09-28. Review status: criteria provided, single submitter. Criteria: Ambry Variant Classification Scheme 2023. Collection method: clinical testing. Allele origin: germline.

Women's Health and Genetics/Laboratory Corporation of America, LabCorp
Classification: Uncertain significance. Last evaluated: 2023-08-22. Review status: criteria provided, single submitter. Criteria: LabCorp Variant Classification Summary - May 2015. Collection method: clinical testing. Allele origin: germline.
Comment: Variant summary: SLC44A4 c.700G>T (p.Val234Phe) results in a non-conservative amino acid change in the encoded protein sequence. Three of five in-silico tools predict a benign effect of the variant on protein function. Computational tools predict no significant impact on normal splicing. However, these predictions have yet to be confirmed by functional studies. The variant allele was found at a frequency of 4e-06 in 251472 control chromosomes. The available data on variant occurrences in the general population are insufficient to allow any conclusion about variant significance. To our knowledge, no occurrence of c.700G>T in individuals affected with Hearing Loss, Autosomal Dominant 72 and no experimental evidence demonstrating its impact on protein function have been reported. No submitters have cited clinical-significance assessments for this variant to ClinVar after 2014. Based on the evidence outlined above, the variant was classified as uncertain significance.